The following is an entry in ClinVar:

NM_001184880.2(PCDH19):c.274dup (p.Leu92fs)

Gene: PCDH19 (protocadherin 19; minus strand). Cytogenetic location: Xq22.1.
Variant type: Duplication.
Coding change: c.274dup on transcript NM_001184880.2 (MANE Select); coding-DNA position 274, one base duplicated (C; older notation c.274dupC).
Protein change: p.Leu92fs; shifts the reading frame from leucine 92.
Molecular consequence: frameshift variant.
Genome position (GRCh38, 1-based): chrX:100,408,324, G duplicated on the plus strand (C on the coding strand, the reverse complement: PCDH19 is on the minus strand). VCF-style (leftmost placement, unchanged base first): chrX-100408323-A-AG. GRCh37 (hg19) VCF-style: chrX-99663321-A-AG.
Other names: c.274dup, p.Leu92fs (NM_001105243.2, NM_020766.3); short protein forms L92fs.
Identifiers: ClinVar variation 1325855 (VCV001325855.1), dbSNP rs2147542293, ClinGen allele CA2573055043.
Genomic context (GRCh38, chrX:100,408,323, plus strand): 5'-ATTTCCATTGAGCTGGACATGACCTCGAGCGAGATGATGCACTTGGGGCTCTGGCGGCAC[A>AG]GCAGATCACGGTCAATCTTCTGCTTGGTGACCAGCAGGCCAGAGCTGGGATTGATGTCCA-3'

ClinVar aggregate classification (germline): Likely pathogenic (1 of 4 stars; one submission).

Conditions:
Developmental and epileptic encephalopathy, 9 (DEE9). Also called: EPILEPSY, FEMALE-RESTRICTED, WITH MENTAL RETARDATION; JUBERG-HELLMAN SYNDROME; Early infantile epileptic encephalopathy 9; PCDH19-Related X-Linked Female-Limited Epilepsy with Mental Retardation. Identifiers: Orphanet 101039, Orphanet 2076, MedGen C1848137, MONDO:0010246, OMIM 300088. Disease mechanism: loss of function.

Submission:

Institute of Human Genetics, University of Leipzig Medical Center
Classification: Likely pathogenic for Developmental and epileptic encephalopathy, 9. Last evaluated: 2021-10-06. Review status: criteria provided, single submitter. Criteria: ACMG Guidelines, 2015. Collection method: clinical testing. Allele origin: unknown. Affected: yes.
Comment: _x000D_ Criteria applied: PVS1, PM2_SUP